The following is an entry in ClinVar:

NM_001256545.2(MEGF10):c.120C>T (p.Tyr40=)

Gene: MEGF10 (multiple EGF like domains 10; plus strand). Cytogenetic location: 5q23.2.
Variant type: single nucleotide variant.
Coding change: c.120C>T on transcript NM_001256545.2 (MANE Select); coding-DNA position 120, C replaced by T.
Protein change: p.Tyr40=; no amino-acid change (tyrosine 40 retained).
Molecular consequence: synonymous variant.
Genome position (GRCh38, 1-based): chr5:127,339,123, C>T. VCF-style: chr5-127339123-C-T. GRCh37 (hg19) VCF-style: chr5-126674815-C-T.
Other names: c.120C>T, p.Tyr40= (NM_001308119.2, NM_001308121.2, NM_032446.3).
Identifiers: ClinVar variation 513658 (VCV000513658.13), dbSNP rs372038844, ClinGen allele CA3391181.

ClinVar aggregate classification (germline): Likely benign. Review status: criteria provided, multiple submitters, no conflicts (2 of 4 stars). 3 submissions from 3 submitters: Likely benign (3). Last evaluated 2025-10-23.

Conditions:
MEGF10-related myopathy (CMYO10A). Also called: Congenital myopathy 10A, severe variant. Identifiers: Orphanet 439212, MedGen C3280679, MONDO:0013731, OMIM 614399.

Allele frequency attached by ClinVar (database versions not stated): ExAC 0.00002; gnomAD exomes 0.00002; TOPMed 0.00003; gnomAD 0.00006; ESP Exome Variant Server 0.00015.
gnomAD v4.1: 37 of 1,591,352 alleles (0.0023%); highest among the groups gnomAD compares: Admixed American, 0.0084%; no homozygotes.

Submissions (3):

Labcorp Genetics (formerly Invitae), Labcorp
Classification: Likely benign for MEGF10-related myopathy. Last evaluated: 2025-10-23. Review status: criteria provided, single submitter. Criteria: Invitae Variant Classification Sherloc (09022015). Collection method: clinical testing. Allele origin: germline.

Blueprint Genetics
Classification: Likely benign. Last evaluated: 2022-08-11. Review status: criteria provided, single submitter. Criteria: ACMG Guidelines, 2015. Collection method: clinical testing. Allele origin: germline.

GeneDx
Classification: Likely benign. Last evaluated: 2017-11-24. Review status: criteria provided, single submitter. Criteria: GeneDx Variant Classification (06012015). Collection method: clinical testing. Allele origin: germline. Affected: yes.
Comment: This variant is considered likely benign or benign based on one or more of the following criteria: it is a conservative change, it occurs at a poorly conserved position in the protein, it is predicted to be benign by multiple in silico algorithms, and/or has population frequency not consistent with disease.